The following is an entry in ClinVar:

NM_031220.4(PITPNM3):c.2631G>T (p.Glu877Asp)

Gene: PITPNM3 (PITPNM family member 3; minus strand). Cytogenetic location: 17p13.2.
Variant type: single nucleotide variant.
Coding change: c.2631G>T on transcript NM_031220.4 (MANE Select); coding-DNA position 2631, G replaced by T.
Protein change: p.Glu877Asp; replaces glutamic acid 877 with aspartic acid.
Molecular consequence: missense variant.
Genome position (GRCh38, 1-based): chr17:6,455,632, C>A on the plus strand (G>T on the coding strand, the complement: PITPNM3 is on the minus strand). VCF-style: chr17-6455632-C-A. GRCh37 (hg19) VCF-style: chr17-6358952-C-A.
Other names: c.2523G>T, p.Glu841Asp (NM_001165966.2); short protein forms E841D, E877D.
Identifiers: ClinVar variation 1011020 (VCV001011020.10), dbSNP rs1446008439, ClinGen allele CA397401282.

ClinVar aggregate classification (germline): Uncertain significance (1 of 4 stars; one submission).

Submission:

Labcorp Genetics (formerly Invitae), Labcorp
Classification: Uncertain significance. Last evaluated: 2022-07-06. Review status: criteria provided, single submitter. Criteria: Invitae Variant Classification Sherloc (09022015). Collection method: clinical testing. Allele origin: germline.
Comment: This sequence change replaces glutamic acid, which is acidic and polar, with aspartic acid, which is acidic and polar, at codon 877 of the PITPNM3 protein (p.Glu877Asp). This variant is not present in population databases (gnomAD no frequency). This variant has not been reported in the literature in individuals affected with PITPNM3-related conditions. ClinVar contains an entry for this variant (Variation ID: 1011020). Algorithms developed to predict the effect of missense changes on protein structure and function (SIFT, PolyPhen-2, Align-GVGD) all suggest that this variant is likely to be tolerated. In summary, the available evidence is currently insufficient to determine the role of this variant in disease. Therefore, it has been classified as a Variant of Uncertain Significance.